The following is an entry in ClinVar:

NM_000937.5(POLR2A):c.4164T>G (p.Phe1388Leu)

Genes: POLR2A (RNA polymerase II subunit A; plus strand), LOC126862482 (CDK7 strongly-dependent group 2 enhancer GRCh37_chr17:7414586-7415785; plus strand). Cytogenetic location: 17p13.1.
Variant type: single nucleotide variant.
Coding change: c.4164T>G on transcript NM_000937.5 (MANE Select); coding-DNA position 4164, T replaced by G.
Protein change: p.Phe1388Leu; replaces phenylalanine 1388 with leucine.
Molecular consequence: missense variant.
Genome position (GRCh38, 1-based): chr17:7,511,873, T>G. VCF-style: chr17-7511873-T-G. GRCh37 (hg19) VCF-style: chr17-7415192-T-G.
Other names: short protein forms F1388L.
Identifiers: ClinVar variation 2627593 (VCV002627593.2), dbSNP rs2508190945, ClinGen allele CA397822840.
Genomic context (GRCh38, chr17:7,511,873, plus strand): 5'-GCTGGGCATTGAAGCCGTGCGGAAGGCCCTGGAGCGGGAGCTGTACCACGTCATCTCCTT[T>G]GATGGCTCCTATGTCAATTACCGACACTTGGCTCTCTTGTGTGATACCATGACCTGTCGT-3'
Protein context (NP_000928.1, residues 1378-1398): LERELYHVIS[Phe1388Leu]DGSYVNYRHL

ClinVar aggregate classification (germline): Uncertain significance (1 of 4 stars; one submission).

Conditions:
Neurodevelopmental disorder with hypotonia and variable intellectual and behavioral abnormalities. Identifiers: MedGen C5231423, MONDO:0032829, OMIM 618603.

Submission:

Institute of Human Genetics, University of Leipzig Medical Center
Classification: Uncertain significance for Neurodevelopmental disorder with hypotonia and variable intellectual and behavioral abnormalities. Last evaluated: 2023-10-16. Review status: criteria provided, single submitter. Criteria: ACMG Guidelines, 2015. Collection method: clinical testing. Allele origin: de novo. Inheritance: Autosomal dominant inheritance. Affected: yes.
Comment: Criteria applied: PM2_SUP,PP2,PS2_MOD